The following is an entry in ClinVar:

ClinVar aggregate classification (germline): Likely benign (1 of 4 stars; one submission).

Allele frequency attached by ClinVar (database versions not stated): gnomAD 0.00007; TOPMed 0.00008; gnomAD exomes 0.00009; ExAC 0.00010; ESP Exome Variant Server 0.00015; 1000 Genomes Project 30x 0.00031; 1000 Genomes Project 0.00040.

Submission:

CeGaT Center for Human Genetics Tuebingen
Classification: Likely benign. Last evaluated: 2022-07-01. Review status: criteria provided, single submitter. Criteria: CeGaT Center For Human Genetics Tuebingen Variant Classification Criteria Version 2. Collection method: clinical testing. Allele origin: germline. Affected: yes. Observed: 1 variant allele.
Comment: SCNN1D: BP4, BP7

NM_001130413.4(SCNN1D):c.1035C>T (p.His345=)

Gene: SCNN1D (sodium channel epithelial 1 subunit delta; plus strand). Cytogenetic location: 1p36.33.
Variant type: single nucleotide variant.
Coding change: c.1035C>T on transcript NM_001130413.4 (MANE Select); coding-DNA position 1035, C replaced by T.
Protein change: p.His345=; no amino-acid change (histidine 345 retained).
Molecular consequence: synonymous variant. On other transcripts: non-coding transcript variant (1).
Genome position (GRCh38, 1-based): chr1:1,286,891, C>T. VCF-style: chr1-1286891-C-T. GRCh37 (hg19) VCF-style: chr1-1222271-C-T.
Identifiers: ClinVar variation 2637992 (VCV002637992.24), dbSNP rs374562012, ClinGen allele CA514493.